The following is an entry in ClinVar:

NM_032043.3(BRIP1):c.797C>T (p.Thr266Met)

Gene: BRIP1 (BRCA1 interacting DNA helicase 1; minus strand). Cytogenetic location: 17q23.2.
Variant type: single nucleotide variant.
Coding change: c.797C>T on transcript NM_032043.3 (MANE Select); coding-DNA position 797, C replaced by T.
Protein change: p.Thr266Met; replaces threonine 266 with methionine.
Molecular consequence: missense variant.
Genome position (GRCh38, 1-based): chr17:61,808,588, G>A on the plus strand (C>T on the coding strand, the complement: BRIP1 is on the minus strand). VCF-style: chr17-61808588-G-A. GRCh37 (hg19) VCF-style: chr17-59885949-G-A.
Other names: p.T266M:ACG>ATG; short protein forms T266M.
Identifiers: ClinVar variation 128196 (VCV000128196.51), dbSNP rs550031006, ClinGen allele CA288609.
Genomic context (GRCh38, chr17:61,808,588, plus strand): 5'-GGATGGACACAAGTATGATCCCTGCTGGAAAGAATAGTCATTGGAACCCCTGAATATGCC[G>A]TCCTCCGGAGCTCTCTAGTAATCTGAGCAATCTGCTTGTGTGTGCGTGTCCCAAAATATA-3'
Protein context (NP_114432.2, residues 256-276): IAQITRELRR[Thr266Met]AYSGVPMTIL

ClinVar aggregate classification (germline): Uncertain significance. Review status: criteria provided, multiple submitters, no conflicts (2 of 4 stars). 18 submissions from 18 submitters: Uncertain significance (16). 2 of the submissions do not count toward it. Last evaluated 2026-09-01.

Conditions:
Familial ovarian cancer. Identifiers: MedGen C5679802, MONDO:0016248.
Fanconi anemia complementation group J. Also called: BRIP1-Related Fanconi Anemia. Identifiers: Orphanet 84, MedGen C1836860, MONDO:0012187, OMIM 609054.
Ovarian cancer. Also called: OVARIAN CANCER, SOMATIC. Identifiers: Orphanet 213500, MedGen C1140680, MONDO:0008170, OMIM 167000.
BRIP1-related disorder. Also called: BRIP1-related condition; BRIP1-related disorders. Identifiers: MedGen CN239206.
Breast and/or ovarian cancer. Identifiers: MedGen CN221562.
Hereditary cancer-predisposing syndrome. Also called: Tumor predisposition; Hereditary neoplastic syndrome; Neoplastic Syndromes, Hereditary; Hereditary Cancer Syndrome. Identifiers: Orphanet 140162, MedGen C0027672, MeSH D009386, MONDO:0015356.
Familial cancer of breast. Also called: Hereditary breast cancer; hereditary breast carcinoma; BREAST CANCER, FAMILIAL. Identifiers: Orphanet 227535, MedGen C0346153, MONDO:0016419, OMIM 114480. Disease mechanism: loss of function.

Allele frequency attached by ClinVar (database versions not stated): gnomAD 0.00002 and 0.00003; gnomAD exomes 0.00003 and 0.00005; TOPMed 0.00003; ExAC 0.00007; 1000 Genomes Project 0.00020; 1000 Genomes Project 30x 0.00031.
gnomAD v4.1: 41 of 1,613,786 alleles (0.0025%); highest among the groups gnomAD compares: East Asian, 0.025%; no homozygotes.

Submissions 1 to 10 of 18:

PreventionGenetics, part of Exact Sciences
Classification: Uncertain significance for BRIP1-related condition. Last evaluated: 2026-09-01. Review status: criteria provided, single submitter. Criteria: ACMG Guidelines, 2015. Collection method: clinical testing. Allele origin: germline.
Comment: The BRIP1 c.797C>T variant is predicted to result in the amino acid substitution p.Thr266Met. This variant has been reported in both unaffected controls and individuals with prostate and/or breast cancer (Table S6, Momozawa et al. 2020. PubMed ID: 31214711; Table S1, Easton et al. 2016. PubMed ID: 26921362; Table S6, Bonache et al. 2018. PubMed ID: 30306255; Table S3, Weitzel et al. 2019. PubMed ID: 31206626; Table S1, Zanti et al. 2020. PubMed ID: 33120919; Table S2, Dong et al. 2021. PubMed ID: 34570441; Table S1, Gifoni et al. 2022. PubMed ID: 35957908). It is reported in 0.0097% of alleles in individuals of Ashkenazi Jewish descent in gnomAD and is classified as uncertain in ClinVar (Variation ID: 128196). At this time, the clinical significance of this variant is uncertain due to the absence of conclusive functional and genetic evidence.

Labcorp Genetics (formerly Invitae), Labcorp
Classification: Uncertain significance for Familial cancer of breast; Fanconi anemia complementation group J. Last evaluated: 2026-02-04. Review status: criteria provided, single submitter. Criteria: Invitae Variant Classification Sherloc (09022015). Collection method: clinical testing. Allele origin: germline.
Comment: This sequence change replaces threonine, which is neutral and polar, with methionine, which is neutral and non-polar, at codon 266 of the BRIP1 protein (p.Thr266Met). This variant is present in population databases (rs550031006, gnomAD 0.01%). This missense change has been observed in individual(s) with breast cancer and/or prostate cancer (PMID: 30306255, 31214711, 33910496, 34570441, 35957908). ClinVar contains an entry for this variant (Variation ID: 128196). Invitae Evidence Modeling of protein sequence and biophysical properties (such as structural, functional, and spatial information, amino acid conservation, physicochemical variation, residue mobility, and thermodynamic stability) has been performed for this missense variant. However, the output from this modeling did not meet the statistical confidence thresholds required to predict the impact of this variant on BRIP1 protein function. In summary, the available evidence is currently insufficient to determine the role of this variant in disease. Therefore, it has been classified as a Variant of Uncertain Significance.

CeGaT Center for Human Genetics Tuebingen
Classification: Uncertain significance. Last evaluated: 2025-08-01. Review status: criteria provided, single submitter. Criteria: CeGaT Center For Human Genetics Tuebingen Variant Classification Criteria Version 2. Collection method: clinical testing. Allele origin: germline. Affected: yes. Observed: 1 variant allele.
Comment: BRIP1: PM2:Supporting

Women's Health and Genetics/Laboratory Corporation of America, LabCorp
Classification: Uncertain significance. Last evaluated: 2025-07-18. Review status: criteria provided, single submitter. Criteria: LabCorp Variant Classification Summary - May 2015. Collection method: clinical testing. Allele origin: germline.
Comment: Variant summary: BRIP1 c.797C>T (p.Thr266Met) results in a non-conservative amino acid change located in the RAD3-like helicase, DEAD domain (IPR010614) of the encoded protein sequence. Algorithms developed to predict the effect of missense changes on protein structure and function all suggest that this variant is likely to be disruptive. The variant allele was found at a frequency of 5.2e-05 in 251066 control chromosomes. This frequency is not significantly higher than estimated for a pathogenic variant in BRIP1 causing Hereditary Breast And Ovarian Cancer Syndrome (5.2e-05 vs 6.3e-05), allowing no conclusion about variant significance. c.797C>T has been reported in the literature, primarily as a VUS in settings of multigene panel testing, in individuals affected with breast cancer and/or other cancers associated with Hereditary Breast And Ovarian Cancer Syndrome (e.g. Bonache_2018, Zanti_2020, Momozawa_2020, Dong_2021, Gifoni_2022). However it has also been reported in healthy control individuals (e.g. Easton_2016, Weitzel_2019, Momozawa_2020). Therefore, these reports do not provide unequivocal conclusions about association of the variant with Hereditary Breast And Ovarian Cancer Syndrome. To our knowledge, no experimental evidence demonstrating an impact on protein function has been reported. The following publications have been ascertained in the context of this evaluation (PMID: 30306255, 34570441, 35957908, 31206626, 33120919, 26921362, 31214711). ClinVar contains an entry for this variant (Variation ID: 128196). Based on the evidence outlined above, the variant was classified as uncertain significance.

Ambry Genetics
Classification: Uncertain significance for Hereditary cancer-predisposing syndrome. Last evaluated: 2025-06-05. Review status: criteria provided, single submitter. Criteria: Ambry Variant Classification Scheme 2023. Collection method: clinical testing. Allele origin: germline.
Comment: The p.T266M variant (also known as c.797C>T), located in coding exon 6 of the BRIP1 gene, results from a C to T substitution at nucleotide position 797. The threonine at codon 266 is replaced by methionine, an amino acid with similar properties. In one study, this alteration was reported in 1/5242 control individuals and was not observed in 13213 breast cancer cases (Easton DF et al. J Med Genet, 2016 05;53:298-309). This alteration has also been reported with a carrier frequency of 0.00039 in 7636 unselected prostate cancer patients and 0.0004 in 12366 male controls of Japanese ancestry (Momozawa Y et al. J Natl Cancer Inst, 2020 04;112:369-376). This amino acid position is highly conserved in available vertebrate species. In addition, this alteration is predicted to be deleterious by in silico analysis. Based on the available evidence, the clinical significance of this variant remains unclear.

Molecular Pathology, Peter Maccallum Cancer Centre
Classification: Uncertain significance for Familial ovarian cancer. Last evaluated: 2025-01-16. Review status: criteria provided, single submitter. Criteria: ACMG Guidelines, 2015. Collection method: clinical testing. Allele origin: germline. Inheritance: Autosomal dominant inheritance.

Color Diagnostics, LLC DBA Color Health
Classification: Uncertain significance for Hereditary cancer-predisposing syndrome. Last evaluated: 2024-12-10. Review status: criteria provided, single submitter. Criteria: ACMG Guidelines, 2015. Collection method: clinical testing. Allele origin: germline.
Comment: This missense variant replaces threonine with methionine at codon 266 of the BRIP1 protein. Computational prediction tools are inconclusive regarding the impact of this variant on protein structure and function. A functional study showed that this variant conferred sensitivity to inter-strand DNA crosslinks (ICLs) inducing agents, Mitomycin C and Cisplatin (DOI: 10.1101/2023.07.03.23290133). This variant has been reported in individuals affected with a personal and/or family history of breast cancer or ovarian cancer (PMID: 33471991, 33910496, 34570441, 35957908; DOI: 10.1101/2023.07.03.23290133) as well as in unaffected controls (PMID: 26921362, 31214711, 33471991). This variant has been identified in 15/282446 chromosomes in the general population by the Genome Aggregation Database (gnomAD). The available evidence is insufficient to determine the role of this variant in disease conclusively. Therefore, this variant is classified as a Variant of Uncertain Significance.

GeneDx
Classification: Uncertain significance. Last evaluated: 2024-10-18. Review status: criteria provided, single submitter. Criteria: GeneDx Variant Classification Process June 2021. Collection method: clinical testing. Allele origin: germline. Affected: yes.
Comment: Functional studies suggest a damaging effect: loss of BRIP1 wildtype function upon exposure to MMC and cisplatin (Milano et al. 2023); In silico analysis supports that this missense variant has a deleterious effect on protein structure/function; This variant is associated with the following publications: (PMID: 26921362, 26401016, 31214711, 33120919, 33471991, Milano2023[Pre-Print], 36243179, 35957908)

Blueprint Genetics
Classification: Uncertain significance. Last evaluated: 2024-09-13. Review status: criteria provided, single submitter. Criteria: ACMG Guidelines, 2015. Collection method: clinical testing. Allele origin: germline.

Baylor Genetics
Classification: Uncertain significance for Familial cancer of breast. Last evaluated: 2023-10-06. Review status: criteria provided, single submitter. Criteria: ACMG Guidelines, 2015. Collection method: clinical testing. Allele origin: unknown.